The following is an entry in ClinVar:

ClinVar aggregate classification (germline): Benign/Likely benign. Review status: criteria provided, multiple submitters, no conflicts (2 of 4 stars). 3 submissions from 3 submitters: Benign (1); Likely benign (2). Last evaluated 2024-04-04.

Conditions:
Hereditary cancer-predisposing syndrome. Also called: Tumor predisposition; Neoplastic Syndromes, Hereditary; Hereditary neoplastic syndrome; Hereditary Cancer Syndrome. Identifiers: Orphanet 140162, MedGen C0027672, MeSH D009386, MONDO:0015356.
Familial adenomatous polyposis 1 (FAP1). Also called: POLYPOSIS, ADENOMATOUS INTESTINAL; FAMILIAL ADENOMATOUS POLYPOSIS 1, ATTENUATED. Identifiers: MedGen C2713442, MONDO:0021056, OMIM 175100. Disease mechanism: loss of function.

Submissions (3):

Myriad Genetics, Inc.
Classification: Benign for Familial adenomatous polyposis 1. Last evaluated: 2024-04-04. Review status: criteria provided, single submitter. Criteria: Myriad Autosomal Dominant, Autosomal Recessive and X-Linked Classification Criteria (2023). Collection method: clinical testing. Allele origin: unknown.
Comment: This variant is considered benign. This variant is a silent/synonymous amino acid change and it is not expected to impact splicing.

Labcorp Genetics (formerly Invitae), Labcorp
Classification: Likely benign for Familial adenomatous polyposis 1. Last evaluated: 2024-04-02. Review status: criteria provided, single submitter. Criteria: Invitae Variant Classification Sherloc (09022015). Collection method: clinical testing. Allele origin: germline.

Color Diagnostics, LLC DBA Color Health
Classification: Likely benign for Hereditary cancer-predisposing syndrome. Last evaluated: 2018-01-24. Review status: criteria provided, single submitter. Criteria: ACMG Guidelines, 2015. Collection method: clinical testing. Allele origin: germline.

NM_000038.6(APC):c.6315G>A (p.Gln2105=)

Gene: APC (APC regulator of Wnt signaling pathway; plus strand). Cytogenetic location: 5q22.2.
Variant type: single nucleotide variant.
Coding change: c.6315G>A on transcript NM_000038.6 (MANE Select); coding-DNA position 6315, G replaced by A.
Protein change: p.Gln2105=; no amino-acid change (glutamine 2105 retained).
Molecular consequence: synonymous variant.
Genome position (GRCh38, 1-based): chr5:112,841,909, G>A. VCF-style: chr5-112841909-G-A. GRCh37 (hg19) VCF-style: chr5-112177606-G-A.
Other names: c.6315G>A, p.Gln2105= (NM_001127510.3, NM_001354895.2); c.6261G>A, p.Gln2087= (NM_001127511.3); c.6369G>A, p.Gln2123= (NM_001354896.2); c.6345G>A, p.Gln2115= (NM_001354897.2); c.6240G>A, p.Gln2080= (NM_001354898.2); c.6231G>A, p.Gln2077= (NM_001354899.2); c.6192G>A, p.Gln2064= (NM_001354900.2); c.6138G>A, p.Gln2046= (NM_001354901.2); and 5 more.
Identifiers: ClinVar variation 631218 (VCV000631218.13), dbSNP rs1561606468, ClinGen allele CA446210319.
Genomic context (GRCh38, chr5:112,841,909, plus strand): 5'-ACCAGATTCAGAACATGGTCTATCCCCTGATTCAGAAAATTTTGATTGGAAAGCTATTCA[G>A]GAAGGTGCAAATTCCATAGTAAGTAGTTTACATCAAGCTGCTGCTGCTGCATGTTTATCT-3'
Protein context (NP_000029.2, residues 2095-2115): DSENFDWKAI[Gln2105=]EGANSIVSSL